The following is an entry in ClinVar:

NM_000138.5(FBN1):c.6991T>A (p.Cys2331Ser)

Gene: FBN1 (fibrillin 1; minus strand). Cytogenetic location: 15q21.1.
Variant type: single nucleotide variant.
Coding change: c.6991T>A on transcript NM_000138.5 (MANE Select); coding-DNA position 6991, T replaced by A.
Protein change: p.Cys2331Ser; replaces cysteine 2331 with serine.
Molecular consequence: missense variant.
Genome position (GRCh38, 1-based): chr15:48,428,352, A>T on the plus strand (T>A on the coding strand, the complement: FBN1 is on the minus strand). VCF-style: chr15-48428352-A-T. GRCh37 (hg19) VCF-style: chr15-48720549-A-T.
Other names: short protein forms C2331S.
Identifiers: ClinVar variation 263688 (VCV000263688.5), dbSNP rs886038894, ClinGen allele CA10587799.

ClinVar aggregate classification (germline): Likely pathogenic (1 of 4 stars; one submission).

Conditions:
Familial thoracic aortic aneurysm and aortic dissection (TAAD). Also called: Thoracic aortic aneurysms and dissections. Identifiers: Orphanet 91387, MedGen C4707243, MONDO:0019625.

Submission:

Ambry Genetics
Classification: Likely pathogenic for Familial thoracic aortic aneurysm and aortic dissection. Last evaluated: 2023-02-16. Review status: criteria provided, single submitter. Criteria: Ambry Variant Classification Scheme 2023. Collection method: clinical testing. Allele origin: germline.
Comment: The p.C2331S variant (also known as c.6991T>A), located in coding exon 56 of the FBN1 gene, results from a T to A substitution at nucleotide position 6991. The cysteine at codon 2331 is replaced by serine, an amino acid with dissimilar properties. The majority of FBN1 mutations identified to date have involved the substitution or generation of cysteine residues within cbEGF domains (Vollbrandt T et al. J Biol Chem. 2004;279(31):32924-32931). Internal structural analysis indicates this alteration eliminates a disulfide bond critical for the structural integrity of the cbEGF36 domain (Ambry internal data). Another alteration at the same codon, p.C2331Y c.6992G>A, has been reported to segregate with disease in a large family (Yang H et al. Clin. Chim. Acta, 2016 Aug;459:30-35). This variant is considered to be rare based on population cohorts in the Genome Aggregation Database (gnomAD). This amino acid position is highly conserved in available vertebrate species. In addition, this alteration is predicted to be deleterious by in silico analysis. Based on the majority of available evidence to date, this variant is likely to be pathogenic.